The following is an entry in ClinVar:

NM_030973.4(MED25):c.418C>T (p.Arg140Trp)

Gene: MED25 (mediator complex subunit 25; plus strand). Cytogenetic location: 19q13.33.
Variant type: single nucleotide variant.
Coding change: c.418C>T on transcript NM_030973.4 (MANE Select); coding-DNA position 418, C replaced by T.
Protein change: p.Arg140Trp; replaces arginine 140 with tryptophan.
Molecular consequence: missense variant.
Genome position (GRCh38, 1-based): chr19:49,828,983, C>T. VCF-style: chr19-49828983-C-T. GRCh37 (hg19) VCF-style: chr19-50332240-C-T.
Other names: c.418C>T, p.Arg140Trp (NM_001378355.1); short protein forms R140W.
Identifiers: ClinVar variation 183670 (VCV000183670.16), dbSNP rs781140315, ClinGen allele CA235584.

ClinVar aggregate classification (germline): Pathogenic/Likely pathogenic. Review status: criteria provided, multiple submitters, no conflicts (2 of 4 stars). 5 submissions from 5 submitters: Pathogenic (1); Likely pathogenic (3). 1 of the submissions does not count toward it. Last evaluated 2026-08-06.

Conditions:
Congenital cataract-microcephaly-nevus flammeus simplex-severe intellectual disability syndrome. Also called: Basel-Vanagaite-Smirin-Yosef syndrome. Identifiers: Orphanet 464738, MedGen C4225323, MONDO:0014643, OMIM 616449.
Charcot-Marie-Tooth disease type 2. Also called: Charcot-Marie-Tooth type 2. Identifiers: Orphanet 64746, MedGen C0270914, MONDO:0018993.

Allele frequency attached by ClinVar (database versions not stated): TOPMed 0.00002; gnomAD 0.00005 and 0.00006.
gnomAD v4.1: 35 of 1,613,884 alleles (0.0022%); highest among the groups gnomAD compares: Admixed American, 0.02%; no homozygotes.

Submissions (5):

OLLIN Analises Genomicas, OLLIN
Classification: Likely pathogenic for Congenital cataract-microcephaly-nevus flammeus simplex-severe intellectual disability syndrome. Last evaluated: 2026-08-06. Review status: criteria provided, single submitter. Criteria: ACMG Guidelines 2015 PMID 25741868. Collection method: clinical testing. Allele origin: germline.
Comment: This missense variant, located in exon 5 (of 18), has been reported in ClinVar (accession VCV000183670.14), in gnomAD with an allele frequency of 0.0022%, and in the scientific literature, segregating with the phenotype and in compound heterozygosity, in individuals with MED25 related disorders (PMID: 25527630). In silico analysis predicts that this variant has a tolerated effect. According to the currently available evidence, this variant has been classified as likely pathogenic (PM2_P, PM3_S, PP1, BP4_M).

Labcorp Genetics (formerly Invitae), Labcorp
Classification: Pathogenic for Charcot-Marie-Tooth disease type 2. Last evaluated: 2025-09-02. Review status: criteria provided, single submitter. Criteria: Invitae Variant Classification Sherloc (09022015). Collection method: clinical testing. Allele origin: germline.
Comment: This sequence change replaces arginine, which is basic and polar, with tryptophan, which is neutral and slightly polar, at codon 140 of the MED25 protein (p.Arg140Trp). This variant is present in population databases (rs781140315, gnomAD 0.006%). This missense change has been observed in individual(s) with MED25-related conditions (PMID: 25527630). It has also been observed to segregate with disease in related individuals. ClinVar contains an entry for this variant (Variation ID: 183670). An algorithm developed to predict the effect of missense changes on protein structure and function (PolyPhen-2) suggests that this variant is likely to be disruptive. For these reasons, this variant has been classified as Pathogenic.

Dasa
Classification: Likely pathogenic. Last evaluated: 2025-08-22. Review status: criteria provided, single submitter. Criteria: DASA Assertion Criteria. Collection method: clinical testing. Allele origin: germline.
Comment: NM_030973.4(MED25):c.418C>T (p.Arg140Trp) is a missense variant that results in the substitution of arginine with tryptophan. Segregation data support an association with disease in the reported family/families (PMID: 25527630). This variant has been reported in individuals with MED25-related disorders (PMID: 25527630). Also, this variant is rare in population databases. Based on the currently available evidence, this variant is classified as likely pathogenic.

Mendelics
Classification: Likely pathogenic for Congenital cataract-microcephaly-nevus flammeus simplex-severe intellectual disability syndrome. Last evaluated: 2024-05-23. Review status: criteria provided, single submitter. Criteria: Mendelics Assertion Criteria 2019. Collection method: clinical testing. Allele origin: germline.
Comment: It is present at a very low frequency in gnomAD database - MAF 0.00002169 (v4.1.0) and has been previously described in the medical literature in homozygosity segregating with intellectual deficiency in seven individuals from a highly consanguineous Brazilian family (PMID: 25527630).

OMIM
Classification: Uncertain significance for VARIANT OF UNKNOWN SIGNIFICANCE. Last evaluated: 2015-02-01. Review status: no assertion criteria provided. Collection method: literature only. Allele origin: germline. Not counted in ClinVar's aggregate classification.

Literature cited by the submitters: PubMed 25527630 (cited by 4 submitters).